The following is an entry in ClinVar:

ClinVar aggregate classification (germline): Uncertain significance (1 of 4 stars; one submission).

Allele frequency attached by ClinVar (database versions not stated): TOPMed below 0.00001; ExAC 0.00001; gnomAD 0.00001; gnomAD exomes 0.00001; 1000 Genomes Project 30x 0.00016; 1000 Genomes Project 0.00020.
gnomAD v4.1: 6 of 1,614,148 alleles (0.00037%); highest among the groups gnomAD compares: Admixed American, 0.0017%; no homozygotes.

Submission:

Labcorp Genetics (formerly Invitae), Labcorp
Classification: Uncertain significance. Last evaluated: 2023-11-24. Review status: criteria provided, single submitter. Criteria: Invitae Variant Classification Sherloc (09022015). Collection method: clinical testing. Allele origin: germline.
Comment: This sequence change creates a premature translational stop signal (p.Arg2462*) in the FAT2 gene. It is expected to result in an absent or disrupted protein product. However, the current clinical and genetic evidence is not sufficient to establish whether loss-of-function variants in FAT2 cause disease. This variant is present in population databases (rs199842636, gnomAD 0.003%). This variant has not been reported in the literature in individuals affected with FAT2-related conditions. ClinVar contains an entry for this variant (Variation ID: 2088612). In summary, the available evidence is currently insufficient to determine the role of this variant in disease. Therefore, it has been classified as a Variant of Uncertain Significance.

NM_001447.3(FAT2):c.7384C>T (p.Arg2462Ter)

Genes: FAT2 (FAT atypical cadherin 2; minus strand), SLC36A1 (solute carrier family 36 member 1; plus strand). Cytogenetic location: 5q33.1.
Variant type: single nucleotide variant.
Coding change: c.7384C>T on transcript NM_001447.3 (MANE Select); coding-DNA position 7384, C replaced by T.
Protein change: p.Arg2462Ter; replaces arginine 2462 with a stop codon.
Molecular consequence: nonsense.
Genome position (GRCh38, 1-based): chr5:151,543,743, G>A on the plus strand (C>T on the coding strand, the complement: FAT2 is on the minus strand). VCF-style: chr5-151543743-G-A. GRCh37 (hg19) VCF-style: chr5-150923304-G-A.
Other names: short protein forms R2462*.
Identifiers: ClinVar variation 2088612 (VCV002088612.4), dbSNP rs199842636, ClinGen allele CA3520973.